The following is an entry in ClinVar:

NM_000071.3(CBS):c.1397C>T (p.Ser466Leu)

Gene: CBS (cystathionine beta-synthase; minus strand). Cytogenetic location: 21q22.3.
Variant type: single nucleotide variant.
Coding change: c.1397C>T on transcript NM_000071.3 (MANE Select); coding-DNA position 1397, C replaced by T.
Protein change: p.Ser466Leu; replaces serine 466 with leucine.
Molecular consequence: missense variant.
Genome position (GRCh38, 1-based): chr21:43,058,215, G>A on the plus strand (C>T on the coding strand, the complement: CBS is on the minus strand). VCF-style: chr21-43058215-G-A. GRCh37 (hg19) VCF-style: chr21-44478325-G-A.
Other names: c.1397C>T, p.Ser466Leu (NM_001178008.3, NM_001178009.3, NM_001320298.2); c.1082C>T, p.Ser361Leu (NM_001321072.1); short protein forms S466L, S361L.
Identifiers: ClinVar variation 130 (VCV000000130.12), dbSNP rs121964971, ClinGen allele CA113900.

ClinVar aggregate classification (germline): Conflicting classifications of pathogenicity. Review status: criteria provided, conflicting classifications (1 of 4 stars). 7 submissions from 7 submitters: Likely pathogenic (1); Uncertain significance (4). 2 of the submissions do not count toward it. Last evaluated 2024-11-11.

Conditions:
Classic homocystinuria. Also called: Homocystinuria due to Cystathionine Beta-Synthase Deficiency; Homocystinuria due to CBS deficiency; Cystathionine beta-synthase deficiency; CBS deficiency; HOMOCYSTINURIA WITH OR WITHOUT RESPONSE TO PYRIDOXINE. Identifiers: Orphanet 394, MedGen C0751202, MONDO:0009352, OMIM 236200.
Familial thoracic aortic aneurysm and aortic dissection (TAAD). Also called: Thoracic aortic aneurysms and dissections. Identifiers: Orphanet 91387, MedGen C4707243, MONDO:0019625.
HYPERHOMOCYSTEINEMIA, THROMBOTIC, CBS-RELATED. Identifiers: MedGen C3150344, OMIM 236200.

Allele frequency attached by ClinVar (database versions not stated): ExAC 0.00001; gnomAD exomes 0.00001.

Submissions (7):

Labcorp Genetics (formerly Invitae), Labcorp
Classification: Uncertain significance for HYPERHOMOCYSTEINEMIA, THROMBOTIC, CBS-RELATED. Last evaluated: 2024-11-11. Review status: criteria provided, single submitter. Criteria: Invitae Variant Classification Sherloc (09022015). Collection method: clinical testing. Allele origin: germline.
Comment: This sequence change replaces serine, which is neutral and polar, with leucine, which is neutral and non-polar, at codon 466 of the CBS protein (p.Ser466Leu). This variant is present in population databases (rs121964971, gnomAD 0.003%). This missense change has been observed in individual(s) with homocystinuria due to cystathionine beta-synthase (CBS) deficiency (PMID: 10338090, 12007221). ClinVar contains an entry for this variant (Variation ID: 130). Invitae Evidence Modeling of protein sequence and biophysical properties (such as structural, functional, and spatial information, amino acid conservation, physicochemical variation, residue mobility, and thermodynamic stability) indicates that this missense variant is expected to disrupt CBS protein function with a positive predictive value of 95%. Experimental studies have shown that this missense change affects CBS function (PMID: 22612060, 23592311). In summary, the available evidence is currently insufficient to determine the role of this variant in disease. Therefore, it has been classified as a Variant of Uncertain Significance.

Baylor Genetics
Classification: Likely pathogenic for Classic homocystinuria. Last evaluated: 2023-08-10. Review status: criteria provided, single submitter. Criteria: ACMG Guidelines, 2015. Collection method: clinical testing. Allele origin: unknown.

Women's Health and Genetics/Laboratory Corporation of America, LabCorp
Classification: Uncertain significance. Last evaluated: 2023-03-10. Review status: criteria provided, single submitter. Criteria: LabCorp Variant Classification Summary - May 2015. Collection method: clinical testing. Allele origin: germline.
Comment: Variant summary: CBS c.1397C>T (p.Ser466Leu) results in a non-conservative amino acid change located in the CBS domain (IPR000644) of the encoded protein sequence. Five of five in-silico tools predict a damaging effect of the variant on protein function. The variant allele was found at a frequency of 1.2e-05 in 251394 control chromosomes (gnomAD). The available data on variant occurrences in the general population are insufficient to allow any conclusion about variant significance. c.1397C>T has been reported in the literature in at least one individual suffering premature thrombosis but lacking any of the connective tissue disorders typical of homocystinuria due to CBS deficiency (Kraus_1999, Maclean_2002). These data do not allow any conclusion about variant significance. Experimental evidence demonstrated the variant to be catalytically active but deficient in its response to S-adenosylmethionine (AdoMet), and indicated that it affects the steady state level of CBS protein and reduces the efficiency of the enzyme in vivo (Maclean_2002, Gupta_2008, Kozich_2010, Melenovska_2015). However, these findings do not allow unequivocal conclusions about the clinical significance of the variant. Four ClinVar submitters (evaluation after 2014) cite the variant as uncertain significance. Based on the evidence outlined above, the variant was classified as uncertain significance.

Ambry Genetics
Classification: Uncertain significance for Familial thoracic aortic aneurysm and aortic dissection. Last evaluated: 2022-09-16. Review status: criteria provided, single submitter. Criteria: Ambry Variant Classification Scheme 2023. Collection method: clinical testing. Allele origin: germline.
Comment: The p.S466L variant (also known as c.1397C>T), located in coding exon 13 of the CBS gene, results from a C to T substitution at nucleotide position 1397. The serine at codon 466 is replaced by leucine, an amino acid with dissimilar properties. This alteration has been reported as a heterozygote and compound heterozygote in subjects with vascualar or thrombotic presentations (Kraus JP et al. Hum Mutat, 1999;13:362-75; Maclean KN et al. Hum Mutat, 2002 Jun;19:641-55). Functional studies suggest a possible impact on function; but the clinical significance of these studies is unclear (Gupta S et al. Hum Mutat, 2008 Aug;29:1048-54; Mayfield JA et al. Genetics, 2012 Apr;190:1309-23; Pey AL et al. Biochem J, 2013 Jan;449:109-21). This amino acid position is well conserved in available vertebrate species. In addition, this alteration is predicted to be deleterious by in silico analysis. Since supporting evidence is limited at this time, the clinical significance of this alteration remains unclear.

Fulgent Genetics
Classification: Uncertain significance for Classic homocystinuria. Last evaluated: 2021-10-25. Review status: criteria provided, single submitter. Criteria: ACMG Guidelines, 2015. Collection method: clinical testing. Allele origin: unknown.

Counsyl
Classification: Uncertain significance for Classic homocystinuria. Last evaluated: 2018-03-12. Review status: no assertion criteria provided. Collection method: clinical testing. Allele origin: unknown. Not counted in ClinVar's aggregate classification.

OMIM
Classification: Pathogenic for HYPERHOMOCYSTEINEMIA, THROMBOTIC, CBS-RELATED. Last evaluated: 2008-08-01. Review status: no assertion criteria provided. Collection method: literature only. Allele origin: germline. Not counted in ClinVar's aggregate classification.

Literature cited by the submitters: PubMed 10338090 (cited by 3 submitters); PubMed 12007221 (cited by 5 submitters); PubMed 22612060 (cited by Labcorp Genetics (formerly Invitae), Labcorp and Counsyl); PubMed 23592311 (cited by Labcorp Genetics (formerly Invitae), Labcorp and Counsyl); PubMed 22267502 (cited by 3 submitters); PubMed 20506325 (cited by Women's Health and Genetics/Laboratory Corporation of America, LabCorp and Counsyl); PubMed 25331909 (cited by Women's Health and Genetics/Laboratory Corporation of America, LabCorp and Counsyl); PubMed 18454451 (cited by 4 submitters); PubMed 10780316 (cited by Ambry Genetics and OMIM); PubMed 20308073 (cited by Ambry Genetics and Counsyl); PubMed 22985361 (cited by Ambry Genetics and Counsyl); PubMed 11524006 (cited by Counsyl); PubMed 20490928 (cited by Counsyl); PubMed 17069888 (cited by Counsyl); PubMed 22891245 (cited by Counsyl).